The following is an entry in ClinVar:

ClinVar aggregate classification (germline): Uncertain significance (1 of 4 stars; one submission).

Conditions:
Nemaline myopathy 2 (NEM2). Also called: Nemaline myopathy 2, autosomal recessive. Identifiers: MedGen C1850569, MONDO:0009725, OMIM 256030.

Submission:

Labcorp Genetics (formerly Invitae), Labcorp
Classification: Uncertain significance for Nemaline myopathy 2. Last evaluated: 2021-07-18. Review status: criteria provided, single submitter. Criteria: Invitae Variant Classification Sherloc (09022015). Collection method: clinical testing. Allele origin: germline.
Comment: This sequence change affects codon 5791 of the NEB mRNA. It is a 'silent' change, meaning that it does not change the encoded amino acid sequence of the NEB protein. This variant is not present in population databases (ExAC no frequency). This variant has not been reported in the literature in individuals affected with NEB-related conditions. Algorithms developed to predict the effect of sequence changes on RNA splicing suggest that this variant may create or strengthen a splice site. In summary, the available evidence is currently insufficient to determine the role of this variant in disease. Therefore, it has been classified as a Variant of Uncertain Significance.

NM_001164508.2(NEB):c.17373C>T (p.Cys5791=)

Gene: NEB (nebulin; minus strand). Cytogenetic location: 2q23.3.
Variant type: single nucleotide variant.
Coding change: c.17373C>T on transcript NM_001164508.2 (MANE Select); coding-DNA position 17373, C replaced by T.
Protein change: p.Cys5791=; no amino-acid change (cysteine 5791 retained).
Molecular consequence: synonymous variant.
Genome position (GRCh38, 1-based): chr2:151,570,138, G>A on the plus strand (C>T on the coding strand, the complement: NEB is on the minus strand). VCF-style: chr2-151570138-G-A. GRCh37 (hg19) VCF-style: chr2-152426652-G-A.
Other names: c.17373C>T, p.Cys5791= (NM_001164507.2, NM_001271208.2); c.12270C>T, p.Cys4090= (NM_004543.5).
Identifiers: ClinVar variation 1960676 (VCV001960676.2), dbSNP rs2153752710, ClinGen allele CA429242129.
Genomic context (GRCh38, chr2:151,570,138, plus strand): 5'-CACATCGCTCTGCAGTTCGTAGGCCTTCTTGGCCTGAATCACATCGTTCTGGTCGGGCAT[G>A]CAGGTCCACTGGTGCAGGTAATTGCGGTAATCCATGTCACTGACCAGAGCCTGGGAATTT-3'
Protein context (NP_001157980.2, residues 5781-5801): DYRNYLHQWT[Cys5791=]MPDQNDVIQA